The following is an entry in ClinVar:

ClinVar aggregate classification (germline): Uncertain significance (1 of 4 stars; one submission).

Allele frequency attached by ClinVar (database versions not stated): gnomAD exomes 0.00001; ExAC 0.00002.
gnomAD v4.1: 4 of 1,613,992 alleles (0.00025%); highest among the groups gnomAD compares: Non-Finnish European, 0.00034%; no homozygotes.

Submission:

Labcorp Genetics (formerly Invitae), Labcorp
Classification: Uncertain significance. Last evaluated: 2023-06-03. Review status: criteria provided, single submitter. Criteria: Invitae Variant Classification Sherloc (09022015). Collection method: clinical testing. Allele origin: germline.
Comment: In summary, the available evidence is currently insufficient to determine the role of this variant in disease. Therefore, it has been classified as a Variant of Uncertain Significance. Advanced modeling of protein sequence and biophysical properties (such as structural, functional, and spatial information, amino acid conservation, physicochemical variation, residue mobility, and thermodynamic stability) performed at Invitae indicates that this missense variant is not expected to disrupt FBN3 protein function. This variant has not been reported in the literature in individuals affected with FBN3-related conditions. This variant is present in population databases (rs754690630, gnomAD 0.006%). This sequence change replaces glutamic acid, which is acidic and polar, with glycine, which is neutral and non-polar, at codon 1976 of the FBN3 protein (p.Glu1976Gly).

NM_032447.5(FBN3):c.5927A>G (p.Glu1976Gly)

Gene: FBN3 (fibrillin 3; minus strand). Cytogenetic location: 19p13.2.
Variant type: single nucleotide variant.
Coding change: c.5927A>G on transcript NM_032447.5 (MANE Select); coding-DNA position 5927, A replaced by G.
Protein change: p.Glu1976Gly; replaces glutamic acid 1976 with glycine.
Molecular consequence: missense variant.
Genome position (GRCh38, 1-based): chr19:8,091,569, T>C on the plus strand (A>G on the coding strand, the complement: FBN3 is on the minus strand). VCF-style: chr19-8091569-T-C. GRCh37 (hg19) VCF-style: chr19-8156453-T-C.
Other names: c.5927A>G, p.Glu1976Gly (NM_001321431.2); short protein forms E1976G.
Identifiers: ClinVar variation 3008197 (VCV003008197.3), dbSNP rs754690630, ClinGen allele CA9151474.